The following is an entry in ClinVar:

ClinVar aggregate classification (germline): Benign/Likely benign. Review status: criteria provided, multiple submitters, no conflicts (2 of 4 stars). 2 submissions from 2 submitters: Benign (1); Likely benign (1). Last evaluated 2025-02-19.

Conditions:
Breast-ovarian cancer, familial, susceptibility to, 3. Also called: RAD51C-Related Breast/Ovarian Cancer. Identifiers: Orphanet 145, MedGen C3150659, MONDO:0013253, OMIM 613399.
Fanconi anemia complementation group O. Also called: RAD51C-Related Fanconi Anemia. Identifiers: Orphanet 84, MedGen C3150653, MONDO:0013248, OMIM 613390.

Submissions (2):

Myriad Genetics, Inc.
Classification: Benign for Breast-ovarian cancer, familial, susceptibility to, 3. Last evaluated: 2025-02-19. Review status: criteria provided, single submitter. Criteria: Myriad Autosomal Dominant, Autosomal Recessive and X-Linked Classification Criteria (2023). Collection method: clinical testing. Allele origin: unknown.
Comment: This variant is considered benign. This variant is a silent/synonymous amino acid change and it is not expected to impact splicing.

Labcorp Genetics (formerly Invitae), Labcorp
Classification: Likely benign for Fanconi anemia complementation group O. Last evaluated: 2023-02-03. Review status: criteria provided, single submitter. Criteria: Invitae Variant Classification Sherloc (09022015). Collection method: clinical testing. Allele origin: germline.

NM_058216.3(RAD51C):c.1071G>A (p.Leu357=)

Gene: RAD51C (RAD51 paralog C; plus strand). Cytogenetic location: 17q22.
Variant type: single nucleotide variant.
Coding change: c.1071G>A on transcript NM_058216.3 (MANE Select); coding-DNA position 1071, G replaced by A.
Protein change: p.Leu357=; no amino-acid change (leucine 357 retained).
Molecular consequence: synonymous variant. On other transcripts: non-coding transcript variant (1).
Genome position (GRCh38, 1-based): chr17:58,734,162, G>A. VCF-style: chr17-58734162-G-A. GRCh37 (hg19) VCF-style: chr17-56811523-G-A.
Other names: c.*499G>A (NM_058217.1).
Identifiers: ClinVar variation 2834027 (VCV002834027.4), dbSNP rs2144061465, ClinGen allele CA400366222.